The following is an entry in ClinVar:

ClinVar aggregate classification (germline): Uncertain significance (1 of 4 stars; one submission).

Conditions:
Familial hemophagocytic lymphohistiocytosis 3 (FHL3). Also called: UNC13D-Related Familial Hemophagocytic Lymphohistiocytosis (UNC13D-fHLH). Identifiers: Orphanet 540, MedGen C1837174, MONDO:0012146, OMIM 608898.

Submission:

Labcorp Genetics (formerly Invitae), Labcorp
Classification: Uncertain significance for Familial hemophagocytic lymphohistiocytosis 3. Last evaluated: 2020-08-30. Review status: criteria provided, single submitter. Criteria: Invitae Variant Classification Sherloc (09022015). Collection method: clinical testing. Allele origin: germline.
Comment: In summary, the available evidence is currently insufficient to determine the role of this variant in disease. Therefore, it has been classified as a Variant of Uncertain Significance. Experimental studies and prediction algorithms are not available or were not evaluated, and the functional significance of this variant is currently unknown. This variant has not been reported in the literature in individuals with UNC13D-related conditions. This variant results in a copy number gain of the genomic region encompassing exon(s) 29-32 of the UNC13D gene. The 5' boundary is likely confined to intron 28. The 3' end of this event is unknown as it extends beyond the assayed region for this gene and therefore may encompass additional genes. As the precise location of this event is unknown, it may be in tandem or it may be located elsewhere in the genome.

NC_000017.10:g.(?_73824026)_(73826583_?)dup

Gene: UNC13D (unc-13 homolog D; minus strand). Cytogenetic location: 17q25.1.
Variant type: Duplication.
Identifiers: ClinVar variation 1052646 (VCV001052646.3).